The following is an entry in ClinVar:

NM_001360.3(DHCR7):c.532A>T (p.Ile178Phe)

Gene: DHCR7 (7-dehydrocholesterol reductase; minus strand). Cytogenetic location: 11q13.4.
Variant type: single nucleotide variant.
Coding change: c.532A>T on transcript NM_001360.3 (MANE Select); coding-DNA position 532, A replaced by T.
Protein change: p.Ile178Phe; replaces isoleucine 178 with phenylalanine.
Molecular consequence: missense variant.
Genome position (GRCh38, 1-based): chr11:71,441,321, T>A on the plus strand (A>T on the coding strand, the complement: DHCR7 is on the minus strand). VCF-style: chr11-71441321-T-A. GRCh37 (hg19) VCF-style: chr11-71152367-T-A.
Other names: c.532A>T, p.Ile178Phe (NM_001163817.2); short protein forms I178F.
Identifiers: ClinVar variation 558484 (VCV000558484.4), dbSNP rs1223603615, ClinGen allele CA381694481.

ClinVar aggregate classification (germline): Uncertain significance. Review status: criteria provided, single submitter (1 of 4 stars). 2 submissions from 2 submitters: Uncertain significance (1). 1 of the submissions does not count toward it. Last evaluated 2024-03-20.

Conditions:
Smith-Lemli-Opitz syndrome (SLOS). Also called: 7-Dehydrocholesterol reductase deficiency; POLYDACTYLY, SEX REVERSAL, RENAL HYPOPLASIA, AND UNILOBAR LUNG; RSH SYNDROME; RUTLEDGE LETHAL MULTIPLE CONGENITAL ANOMALY SYNDROME; LETHAL ACRODYSGENITAL SYNDROME. Identifiers: Orphanet 818, MedGen C0175694, MONDO:0010035, OMIM 270400.

Allele frequency attached by ClinVar (database versions not stated): gnomAD exomes below 0.00001.
gnomAD v4.1: 2 of 1,614,192 alleles (0.00012%); highest among the groups gnomAD compares: Non-Finnish European, 0.00017%; no homozygotes.

Submissions (2):

Women's Health and Genetics/Laboratory Corporation of America, LabCorp
Classification: Uncertain significance. Last evaluated: 2024-03-20. Review status: criteria provided, single submitter. Criteria: LabCorp Variant Classification Summary - May 2015. Collection method: clinical testing. Allele origin: germline.
Comment: Variant summary: DHCR7 c.532A>T (p.Ile178Phe) results in a non-conservative amino acid change in the encoded protein sequence. Four of five in-silico tools predict a damaging effect of the variant on protein function. The variant allele was found at a frequency of 4e-06 in 250988 control chromosomes (gnomAD). c.532A>T has been reported in the literature in the compound heterozygous state in individuals affected with Smith-Lemli-Opitz Syndrome (e.g. Haas_2005, Witsch-Baumgartner_2005). These data indicate that the variant may be associated with disease. To our knowledge, no experimental evidence demonstrating an impact on protein function has been reported. The following publications have been ascertained in the context of this evaluation (PMID: 15776424, 16435228). ClinVar contains an entry for this variant (Variation ID: 558484). Based on the evidence outlined above, the variant was classified as VUS-possibly pathogenic.

Counsyl
Classification: Uncertain significance for Smith-Lemli-Opitz syndrome. Last evaluated: 2018-05-23. Review status: no assertion criteria provided. Collection method: clinical testing. Allele origin: unknown. Not counted in ClinVar's aggregate classification.

Literature cited by the submitters: PubMed 15776424 (cited by Women's Health and Genetics/Laboratory Corporation of America, LabCorp and Counsyl); PubMed 16435228 (cited by Women's Health and Genetics/Laboratory Corporation of America, LabCorp).